The following is an entry in ClinVar:

ClinVar aggregate classification (germline): Uncertain significance (1 of 4 stars; one submission).

Submission:

GeneDx
Classification: Uncertain significance. Last evaluated: 2026-02-15. Review status: criteria provided, single submitter. Criteria: GeneDx Variant Classification Process June 2021. Collection method: clinical testing. Allele origin: germline.
Comment: Not observed at significant frequency in large population cohorts (gnomAD); In silico analysis suggests that this missense variant does not alter protein structure/function; Has not been previously published as pathogenic or benign to our knowledge

NM_006922.4(SCN3A):c.2122A>T (p.Ile708Leu)

Gene: SCN3A (sodium voltage-gated channel alpha subunit 3; minus strand). Cytogenetic location: 2q24.3.
Variant type: single nucleotide variant.
Coding change: c.2122A>T on transcript NM_006922.4 (MANE Select); coding-DNA position 2122, A replaced by T.
Protein change: p.Ile708Leu; replaces isoleucine 708 with leucine.
Molecular consequence: missense variant.
Genome position (GRCh38, 1-based): chr2:165,139,506, T>A on the plus strand (A>T on the coding strand, the complement: SCN3A is on the minus strand). VCF-style: chr2-165139506-T-A. GRCh37 (hg19) VCF-style: chr2-165996016-T-A.
Other names: c.1975A>T, p.Ile659Leu (NM_001081676.2, NM_001081677.2); short protein forms I659L, I708L.
Identifiers: ClinVar variation 4891447 (VCV004891447.1).